The following is an entry in ClinVar:

ClinVar aggregate classification (germline): Uncertain significance (1 of 4 stars; one submission).

Submission:

GeneDx
Classification: Uncertain significance. Last evaluated: 2022-12-22. Review status: criteria provided, single submitter. Criteria: GeneDx Variant Classification Process June 2021. Collection method: clinical testing. Allele origin: germline. Affected: yes.
Comment: Not observed at significant frequency in large population cohorts (gnomAD); In silico analysis supports that this missense variant has a deleterious effect on protein structure/function; Has not been previously published as pathogenic or benign to our knowledge

NM_012310.5(KIF4A):c.1808A>G (p.Gln603Arg)

Gene: KIF4A (kinesin family member 4A; plus strand). Cytogenetic location: Xq13.1.
Variant type: single nucleotide variant.
Coding change: c.1808A>G on transcript NM_012310.5 (MANE Select); coding-DNA position 1808, A replaced by G.
Protein change: p.Gln603Arg; replaces glutamine 603 with arginine.
Molecular consequence: missense variant.
Genome position (GRCh38, 1-based): chrX:70,375,233, A>G. VCF-style: chrX-70375233-A-G. GRCh37 (hg19) VCF-style: chrX-69595083-A-G.
Other names: short protein forms Q603R.
Identifiers: ClinVar variation 2506600 (VCV002506600.1), dbSNP rs2519678619, ClinGen allele CA413479878.